The following is an entry in ClinVar:

ClinVar aggregate classification (germline): Uncertain significance (1 of 4 stars; one submission).

Submission:

Labcorp Genetics (formerly Invitae), Labcorp
Classification: Uncertain significance. Last evaluated: 2025-02-18. Review status: criteria provided, single submitter. Criteria: Invitae Variant Classification Sherloc (09022015). Collection method: clinical testing. Allele origin: germline.
Comment: This variant, c.665_667del, results in the deletion of 1 amino acid(s) of the MYSM1 protein (p.Glu222del), but otherwise preserves the integrity of the reading frame. This variant is present in population databases (rs762364885, gnomAD 0.1%). This variant has not been reported in the literature in individuals affected with MYSM1-related conditions. Experimental studies and prediction algorithms are not available or were not evaluated, and the functional significance of this variant is currently unknown. In summary, the available evidence is currently insufficient to determine the role of this variant in disease. Therefore, it has been classified as a Variant of Uncertain Significance.

NM_001085487.3(MYSM1):c.662AAG[1] (p.Glu222del)

Gene: MYSM1 (Myb like, SWIRM and MPN domains 1; minus strand). Cytogenetic location: 1p32.1.
Variant type: Microsatellite.
Coding change: c.662AAG[1] on transcript NM_001085487.3 (MANE Select); one copy of the 3-base unit AAG starting at c.662; the reference has two copies in a row; one copy, 3 bases deleted.
Protein change: p.Glu222del; deletes glutamic acid 222.
Molecular consequence: inframe deletion.
Genome position (GRCh38, 1-based): chr1:58,682,377-58,682,379, CTT deleted on the plus strand (AAG on the coding strand, the reverse complement: MYSM1 is on the minus strand); deleting any 3 consecutive bases within chr1:58,682,377-58,682,383 gives the same sequence; the position shown is the placement nearest the transcript's 3' end. VCF-style (leftmost placement, unchanged base first): chr1-58682376-ACTT-A. GRCh37 (hg19) VCF-style: chr1-59148048-ACTT-A.
Other names: short protein forms E222del.
Identifiers: ClinVar variation 1411645 (VCV001411645.5), dbSNP rs762364885, ClinGen allele CA877969.